The following is an entry in ClinVar:

ClinVar aggregate classification (germline): Uncertain significance (1 of 4 stars; one submission).

Conditions:
Hypertrophic cardiomyopathy. Also called: HYPERTROPHIC MYOCARDIOPATHY. Identifiers: Orphanet 217569, MedGen C0007194, MeSH D002312, MONDO:0005045, HP:0001639.

Submission:

Labcorp Genetics (formerly Invitae), Labcorp
Classification: Uncertain significance for Hypertrophic cardiomyopathy. Last evaluated: 2019-04-09. Review status: criteria provided, single submitter. Criteria: Invitae Variant Classification Sherloc (09022015). Collection method: clinical testing. Allele origin: germline.
Comment: This sequence change replaces arginine with glycine at codon 739 of the MYH7 protein (p.Arg739Gly). The arginine residue is highly conserved and there is a moderate physicochemical difference between arginine and glycine. This variant is not present in population databases (ExAC no frequency). This variant has not been reported in the literature in individuals with MYH7-related disease. This variant is found within a region of MYH7 between codons 181 and 937 that contains the majority of the myosin head domain. Missense variants in this region have been shown to be significantly overrepresented in individuals with hypertrophic cardiomyopathy (PMID: 27532257). Algorithms developed to predict the effect of missense changes on protein structure and function are either unavailable or do not agree on the potential impact of this missense change (SIFT: "Deleterious"; PolyPhen-2: "Benign"; Align-GVGD: "Class C65"). In summary, the available evidence is currently insufficient to determine the role of this variant in disease. Therefore, it has been classified as a Variant of Uncertain Significance.

Literature cited by the submitters: PubMed 27532257.

NM_000257.4(MYH7):c.2215A>G (p.Arg739Gly)

Gene: MYH7 (myosin heavy chain 7; minus strand). Cytogenetic location: 14q11.2.
Variant type: single nucleotide variant.
Coding change: c.2215A>G on transcript NM_000257.4 (MANE Select); coding-DNA position 2215, A replaced by G.
Protein change: p.Arg739Gly; replaces arginine 739 with glycine.
Molecular consequence: missense variant.
Genome position (GRCh38, 1-based): chr14:23,425,766, T>C on the plus strand (A>G on the coding strand, the complement: MYH7 is on the minus strand). VCF-style: chr14-23425766-T-C. GRCh37 (hg19) VCF-style: chr14-23894975-T-C.
Other names: short protein forms R739G.
Identifiers: ClinVar variation 643379 (VCV000643379.10), dbSNP rs1595083480, ClinGen allele CA389048895.